The following is an entry in ClinVar:

ClinVar aggregate classification (germline): Uncertain significance (1 of 4 stars; one submission).

Conditions:
Werner syndrome (WRN). Identifiers: Orphanet 902, MedGen C0043119, MONDO:0010196, OMIM 277700.

Submission:

Labcorp Genetics (formerly Invitae), Labcorp
Classification: Uncertain significance for Werner syndrome. Last evaluated: 2023-02-14. Review status: criteria provided, single submitter. Criteria: Invitae Variant Classification Sherloc (09022015). Collection method: clinical testing. Allele origin: germline.
Comment: This sequence change replaces leucine, which is neutral and non-polar, with proline, which is neutral and non-polar, at codon 190 of the WRN protein (p.Leu190Pro). This variant is not present in population databases (gnomAD no frequency). This variant has not been reported in the literature in individuals affected with WRN-related conditions. An algorithm developed to predict the effect of missense changes on protein structure and function (PolyPhen-2) suggests that this variant is likely to be disruptive. In summary, the available evidence is currently insufficient to determine the role of this variant in disease. Therefore, it has been classified as a Variant of Uncertain Significance.

NM_000553.6(WRN):c.569T>C (p.Leu190Pro)

Gene: WRN (WRN RecQ like helicase; plus strand). Cytogenetic location: 8p12.
Variant type: single nucleotide variant.
Coding change: c.569T>C on transcript NM_000553.6 (MANE Select); coding-DNA position 569, T replaced by C.
Protein change: p.Leu190Pro; replaces leucine 190 with proline.
Molecular consequence: missense variant.
Genome position (GRCh38, 1-based): chr8:31,067,097, T>C. VCF-style: chr8-31067097-T-C. GRCh37 (hg19) VCF-style: chr8-30924613-T-C.
Other names: short protein forms L190P.
Identifiers: ClinVar variation 2836823 (VCV002836823.3), dbSNP rs2535887273, ClinGen allele CA370916087.